The following is an entry in ClinVar:

ClinVar aggregate classification (germline): Pathogenic (1 of 4 stars; one submission).

Submissions (3):

GeneDx
Classification: Pathogenic. Last evaluated: 2017-01-23. Review status: criteria provided, single submitter. Criteria: GeneDx Variant Classification (06012015). Collection method: clinical testing. Allele origin: germline. Affected: yes.
Comment: The E1958X nonsense variant in the DMD gene is predicted to cause loss of normal protein function either through protein truncation or nonsense-mediated mRNA decay. Furthermore, this variant is not observed in large population cohorts (Lek et al., 2016; 1000 Genomes Consortium et al., 2015; Exome Variant Server). Although this pathogenic variant has not been reported previously to our knowledge, its presence is consistent with a diagnosis of a dystrophinopathy

Dr. Peter K. Rogan Lab, Western University
No classification provided (evidence only). Condition: Thyroid cancer, nonmedullary, 1. Review status: no classification provided. Collection method: in vitro. Allele origin: not applicable. Functional consequence: retained intron. Not counted in ClinVar's aggregate classification.

Dr. Peter K. Rogan Lab, Western University
No classification provided (evidence only). Condition: Thyroid cancer, nonmedullary, 1. Review status: no classification provided. Collection method: in vitro. Allele origin: not applicable. Functional consequence: retained intron. Not counted in ClinVar's aggregate classification.

NM_004006.3(DMD):c.5872G>T (p.Glu1958Ter)

Gene: DMD (dystrophin; minus strand). Cytogenetic location: Xp21.1.
Variant type: single nucleotide variant.
Coding change: c.5872G>T on transcript NM_004006.3 (MANE Select); coding-DNA position 5872, G replaced by T.
Protein change: p.Glu1958Ter; replaces glutamic acid 1958 with a stop codon.
Molecular consequence: nonsense.
Genome position (GRCh38, 1-based): chrX:32,342,150, C>A on the plus strand (G>T on the coding strand, the complement: DMD is on the minus strand). VCF-style: chrX-32342150-C-A. GRCh37 (hg19) VCF-style: chrX-32360267-C-A.
Other names: NC_000023.10:g.32360267C>A; c.5848G>T, p.Glu1950Ter (NM_000109.4); c.5860G>T, p.Glu1954Ter (NM_004009.3); c.5503G>T, p.Glu1835Ter (NM_004010.3); c.1849G>T, p.Glu617Ter (NM_004011.4); c.1840G>T, p.Glu614Ter (NM_004012.4); short protein forms E1958*, E1835*, E1950*, E617*, E1954*, E614*.
Identifiers: ClinVar variation 393178 (VCV000393178.3), dbSNP rs1057524825, ClinGen allele CA16608896.